The following is an entry in ClinVar:

ClinVar aggregate classification (germline): Pathogenic (1 of 4 stars; one submission).

Submission:

GeneDx
Classification: Pathogenic. Last evaluated: 2026-02-18. Review status: criteria provided, single submitter. Criteria: GeneDx Variant Classification Process June 2021. Collection method: clinical testing. Allele origin: germline.
Comment: Canonical splice site variant predicted to result in an in-frame loss of the adjacent exon in a gene for which loss of function is a known mechanism of disease; Not observed at significant frequency in large population cohorts (gnomAD); Has not been previously published as pathogenic or benign to our knowledge

NM_001127222.2(CACNA1A):c.5839+1G>A

Gene: CACNA1A (calcium voltage-gated channel subunit alpha1 A; minus strand). Cytogenetic location: 19p13.13.
Variant type: single nucleotide variant.
Coding change: c.5839+1G>A on transcript NM_001127222.2 (MANE Select); the canonical splice donor site of the intron after coding-DNA position 5839, G replaced by A.
Molecular consequence: splice donor variant.
Genome position (GRCh38, 1-based): chr19:13,214,500, C>T on the plus strand (G>A on the coding strand, the complement: CACNA1A is on the minus strand). VCF-style: chr19-13214500-C-T. GRCh37 (hg19) VCF-style: chr19-13325314-C-T.
Other names: c.5842+1G>A (NM_001127221.2); c.5848+1G>A (NM_001174080.2); c.5857+1G>A (NM_000068.4, NM_023035.3).
Identifiers: ClinVar variation 5009694 (VCV005009694.1).